The following is an entry in ClinVar:

ClinVar aggregate classification (germline): Pathogenic. Review status: criteria provided, multiple submitters, no conflicts (2 of 4 stars). 6 submissions from 6 submitters: Pathogenic (6). Last evaluated 2025-03-04.

Conditions:
Hereditary nonpolyposis colon cancer (HNPCC). Also called: Hereditary Nonpolyposis Colorectal Cancer Syndrome; Hereditary nonpolyposis colorectal cancer; Familial nonpolyposis colon cancer. Identifiers: Orphanet 443909, MedGen C1333990, MONDO:0018630. Disease mechanism: loss of function.
Familial cancer of breast. Also called: Hereditary breast cancer; hereditary breast carcinoma; BREAST CANCER, FAMILIAL. Identifiers: Orphanet 227535, MedGen C0346153, MONDO:0016419, OMIM 114480. Disease mechanism: loss of function.
Hereditary cancer-predisposing syndrome. Also called: Hereditary neoplastic syndrome; Tumor predisposition; Hereditary Cancer Syndrome; Neoplastic Syndromes, Hereditary. Identifiers: Orphanet 140162, MedGen C0027672, MeSH D009386, MONDO:0015356.

Submissions (6):

Center for Genomic Medicine, Rigshospitalet, Copenhagen University Hospital
Classification: Pathogenic. Last evaluated: 2025-03-04. Review status: criteria provided, single submitter. Criteria: ACMG Guidelines, 2015. Collection method: clinical testing. Allele origin: germline.

Labcorp Genetics (formerly Invitae), Labcorp
Classification: Pathogenic for Familial cancer of breast. Last evaluated: 2024-03-02. Review status: criteria provided, single submitter. Criteria: Invitae Variant Classification Sherloc (09022015). Collection method: clinical testing. Allele origin: germline.
Comment: This sequence change creates a premature translational stop signal (p.Tyr298Cysfs*12) in the CHEK2 gene. It is expected to result in an absent or disrupted protein product. Loss-of-function variants in CHEK2 are known to be pathogenic (PMID: 21876083, 24713400). This variant is not present in population databases (gnomAD no frequency). This variant has not been reported in the literature in individuals affected with CHEK2-related conditions. ClinVar contains an entry for this variant (Variation ID: 491651). For these reasons, this variant has been classified as Pathogenic.

Ambry Genetics
Classification: Pathogenic for Hereditary cancer-predisposing syndrome. Last evaluated: 2024-01-24. Review status: criteria provided, single submitter. Criteria: Ambry Variant Classification Scheme 2023. Collection method: clinical testing. Allele origin: germline.
Comment: The c.893_897delATATT pathogenic mutation, located in coding exon 7 of the CHEK2 gene, results from a deletion of 5 nucleotides at nucleotide positions 893 to 897, causing a translational frameshift with a predicted alternate stop codon (p.Y298Cfs*12). This variant is considered to be rare based on population cohorts in the Genome Aggregation Database (gnomAD). This alteration is expected to result in loss of function by premature protein truncation or nonsense-mediated mRNA decay. As such, this alteration is interpreted as a disease-causing mutation.

Myriad Genetics, Inc.
Classification: Pathogenic for Familial cancer of breast. Last evaluated: 2023-06-27. Review status: criteria provided, single submitter. Criteria: Myriad Autosomal Dominant, Autosomal Recessive and X-Linked Classification Criteria (2023). Collection method: clinical testing. Allele origin: unknown.
Comment: This variant is considered pathogenic. This variant creates a frameshift predicted to result in premature protein truncation.

Department of Pathology and Laboratory Medicine, Sinai Health System
Classification: Pathogenic for hereditary nonpolyposis colon cancer. Last evaluated: 2022-05-04. Review status: criteria provided, single submitter. Criteria: ACMG Guidelines, 2015. Collection method: clinical testing. Allele origin: germline. Affected: no.

Color Diagnostics, LLC DBA Color Health
Classification: Pathogenic for Hereditary cancer-predisposing syndrome. Last evaluated: 2020-09-02. Review status: criteria provided, single submitter. Criteria: ACMG Guidelines, 2015. Collection method: clinical testing. Allele origin: germline.
Comment: This variant deletes 5 nucleotides in exon 8 of the CHEK2 gene, creating a frameshift and premature translation stop signal. This variant is also known as c.1022_1026del in the literature. This variant is expected to result in an absent or non-functional protein product. This variant has been reported in an individual affected with breast and/or ovarian cancer (PMID: 30333958). This variant has not been identified in the general population by the Genome Aggregation Database (gnomAD). Loss of CHEK2 function is a known mechanism of disease. Based on the available evidence, this variant is classified as Pathogenic.

Literature cited by the submitters: PubMed 30333958 (cited by Center for Genomic Medicine, Rigshospitalet, Copenhagen University Hospital); PubMed 21876083 (cited by Labcorp Genetics (formerly Invitae), Labcorp); PubMed 24713400 (cited by Labcorp Genetics (formerly Invitae), Labcorp).

NM_007194.4(CHEK2):c.893_897del (p.Tyr298fs)

Gene: CHEK2 (checkpoint kinase 2; minus strand). Cytogenetic location: 22q12.1.
Variant type: Deletion.
Coding change: c.893_897del on transcript NM_007194.4 (MANE Select); coding-DNA positions 893 to 897, 5 bases deleted (ATATT; older notation c.893_897delATATT).
Protein change: p.Tyr298fs; shifts the reading frame from tyrosine 298.
Molecular consequence: frameshift variant.
Genome position (GRCh38, 1-based): chr22:28,703,516-28,703,520, AATAT deleted on the plus strand (ATATT on the coding strand, the reverse complement: CHEK2 is on the minus strand); deleting any 5 consecutive bases within chr22:28,703,516-28,703,524 gives the same sequence; the c. name uses the placement nearest the transcript's 3' end. VCF-style (leftmost placement, unchanged base first): chr22-28703515-CAATAT-C. GRCh37 (hg19) VCF-style: chr22-29099503-CAATAT-C.
Other names: c.893_897delATATT (NM_007194.4); c.893_897del (NM_007194.3); c.1018_1022delTATTA, p.Tyr341Cysfs (NM_001005735.3); c.226_230delTATTA, p.Tyr77Cysfs (NM_001257387.3); c.688_692delTATTA, p.Tyr231Cysfs (NM_001349956.3); c.889_893delTATTA, p.Tyr298Cysfs (NM_145862.3); short protein forms Y77fs, Y341fs, Y298fs, Y231fs.
Identifiers: ClinVar variation 491651 (VCV000491651.18), dbSNP rs1390889028, ClinGen allele CA658684248.